The following is an entry in ClinVar:

ClinVar aggregate classification (germline): Pathogenic (1 of 4 stars; one submission).

Conditions:
Carney complex, type 1 (CNC1). Also called: CARNEY MYXOMA-ENDOCRINE COMPLEX; CARNEY COMPLEX, TYPE I. Identifiers: Orphanet 1359, MedGen C2607929, MONDO:0008057, OMIM 160980.

Submission:

Labcorp Genetics (formerly Invitae), Labcorp
Classification: Pathogenic for Carney complex, type 1. Last evaluated: 2020-04-18. Review status: criteria provided, single submitter. Criteria: Invitae Variant Classification Sherloc (09022015). Collection method: clinical testing. Allele origin: germline.
Comment: This sequence change creates a premature translational stop signal (p.Val114Leufs*15) in the PRKAR1A gene. It is expected to result in an absent or disrupted protein product. For these reasons, this variant has been classified as Pathogenic. Loss-of-function variants in PRKAR1A are known to be pathogenic (PMID: 11115848, 19293268). This variant has been observed in an individual with Carney complex (PMID: 19293268). This variant is not present in population databases (ExAC no frequency).

Literature cited by the submitters: PubMed 11115848; PubMed 19293268.

NM_002734.5(PRKAR1A):c.340del (p.Val114fs)

Gene: PRKAR1A (protein kinase cAMP-dependent type I regulatory subunit alpha; plus strand). Cytogenetic location: 17q24.2.
Variant type: Deletion.
Coding change: c.340del on transcript NM_002734.5 (MANE Select); coding-DNA position 340, one base deleted (G; older notation c.340delG).
Protein change: p.Val114fs; shifts the reading frame from valine 114.
Molecular consequence: frameshift variant.
Genome position (GRCh38, 1-based): chr17:68,522,918, G deleted. VCF-style (leftmost placement, unchanged base first): chr17-68522917-TG-T. GRCh37 (hg19) VCF-style: chr17-66519058-TG-T.
Other names: c.340del, p.Val114fs (NM_001276289.2, NM_001276290.1, NM_001278433.2 and 4 more transcripts); short protein forms V114fs.
Identifiers: ClinVar variation 1074600 (VCV001074600.9), dbSNP rs2143275771, ClinGen allele CA2499224866.